The following is an entry in ClinVar:

ClinVar aggregate classification (germline): Conflicting classifications of pathogenicity. Review status: criteria provided, conflicting classifications (1 of 4 stars). 2 submissions from 2 submitters: Uncertain significance (1); Likely benign (1). Last evaluated 2025-11-20.

Conditions:
Inborn genetic diseases. Identifiers: MedGen C0950123, MeSH D030342.

Allele frequency attached by ClinVar (database versions not stated): gnomAD 0.00001; gnomAD exomes 0.00001.

Submissions (2):

Ambry Genetics
Classification: Likely benign for Inborn genetic diseases. Last evaluated: 2025-11-20. Review status: criteria provided, single submitter. Criteria: Ambry Variant Classification Scheme 2023. Collection method: clinical testing. Allele origin: germline.

Labcorp Genetics (formerly Invitae), Labcorp
Classification: Uncertain significance. Last evaluated: 2022-07-27. Review status: criteria provided, single submitter. Criteria: Invitae Variant Classification Sherloc (09022015). Collection method: clinical testing. Allele origin: germline.
Comment: In summary, the available evidence is currently insufficient to determine the role of this variant in disease. Therefore, it has been classified as a Variant of Uncertain Significance. Advanced modeling of protein sequence and biophysical properties (such as structural, functional, and spatial information, amino acid conservation, physicochemical variation, residue mobility, and thermodynamic stability) performed at Invitae indicates that this missense variant is not expected to disrupt PCDH12 protein function. This variant has not been reported in the literature in individuals affected with PCDH12-related conditions. This variant is present in population databases (no rsID available, gnomAD 0.002%). This sequence change replaces methionine, which is neutral and non-polar, with threonine, which is neutral and polar, at codon 714 of the PCDH12 protein (p.Met714Thr).

NM_016580.4(PCDH12):c.2141T>C (p.Met714Thr)

Genes: PCDH12 (protocadherin 12; minus strand), RNF14 (ring finger protein 14; plus strand). Cytogenetic location: 5q31.3.
Variant type: single nucleotide variant.
Coding change: c.2141T>C on transcript NM_016580.4 (MANE Select); coding-DNA position 2141, T replaced by C.
Protein change: p.Met714Thr; replaces methionine 714 with threonine.
Molecular consequence: missense variant.
Genome position (GRCh38, 1-based): chr5:141,955,711, A>G on the plus strand (T>C on the coding strand, the complement: PCDH12 is on the minus strand). VCF-style: chr5-141955711-A-G. GRCh37 (hg19) VCF-style: chr5-141335276-A-G.
Other names: c.2141T>C (NM_016580.2); short protein forms M714T.
Identifiers: ClinVar variation 1946806 (VCV001946806.6), dbSNP rs1255667756, ClinGen allele CA361578432.